The following is an entry in ClinVar:

NM_000391.4(TPP1):c.1351G>T (p.Asp451Tyr)

Gene: TPP1 (tripeptidyl peptidase 1; minus strand). Cytogenetic location: 11p15.4.
Variant type: single nucleotide variant.
Coding change: c.1351G>T on transcript NM_000391.4 (MANE Select); coding-DNA position 1351, G replaced by T.
Protein change: p.Asp451Tyr; replaces aspartic acid 451 with tyrosine.
Molecular consequence: missense variant.
Genome position (GRCh38, 1-based): chr11:6,615,245, C>A on the plus strand (G>T on the coding strand, the complement: TPP1 is on the minus strand). VCF-style: chr11-6615245-C-A. GRCh37 (hg19) VCF-style: chr11-6636476-C-A.
Other names: short protein forms D451Y.
Identifiers: ClinVar variation 646861 (VCV000646861.10), dbSNP rs1589947644, ClinGen allele CA379472663.

ClinVar aggregate classification (germline): Pathogenic. Review status: criteria provided, single submitter (1 of 4 stars). 2 submissions from 2 submitters: Pathogenic (1). 1 of the submissions does not count toward it. Last evaluated 2024-02-26.

Conditions:
Neuronal ceroid lipofuscinosis 2. Also called: JANSKY-BIELSCHOWSKY DISEASE NEURONAL CEROID LIPOFUSCINOSIS, LATE INFANTILE; TPP1-Related Neuronal Ceroid-Lipofuscinosis. Identifiers: Orphanet 168491, Orphanet 228349, Orphanet 79264, MedGen C1876161, MONDO:0008769, OMIM 204500.

Submissions (2):

Labcorp Genetics (formerly Invitae), Labcorp
Classification: Pathogenic. Last evaluated: 2024-02-26. Review status: criteria provided, single submitter. Criteria: Invitae Variant Classification Sherloc (09022015). Collection method: clinical testing. Allele origin: germline.
Comment: This sequence change replaces aspartic acid, which is acidic and polar, with tyrosine, which is neutral and polar, at codon 451 of the TPP1 protein (p.Asp451Tyr). This variant is not present in population databases (gnomAD no frequency). This missense change has been observed in individual(s) with neuronal ceroid lipofuscinosis (Invitae). ClinVar contains an entry for this variant (Variation ID: 646861). Advanced modeling of protein sequence and biophysical properties (such as structural, functional, and spatial information, amino acid conservation, physicochemical variation, residue mobility, and thermodynamic stability) performed at Invitae indicates that this missense variant is expected to disrupt TPP1 protein function with a positive predictive value of 95%. For these reasons, this variant has been classified as Pathogenic.

Natera, Inc.
Classification: Uncertain significance for Neuronal ceroid lipofuscinosis 2. Last evaluated: 2020-11-05. Review status: no assertion criteria provided. Collection method: clinical testing. Allele origin: germline. Not counted in ClinVar's aggregate classification.